The following is an entry in ClinVar:

NM_001378615.1(CC2D2A):c.1359+1G>A

Genes: CC2D2A (coiled-coil and C2 domain containing 2A; plus strand), FBXL5 (F-box and leucine rich repeat protein 5; minus strand). Cytogenetic location: 4p15.32.
Variant type: single nucleotide variant.
Coding change: c.1359+1G>A on transcript NM_001378615.1 (MANE Select); the canonical splice donor site of the intron after coding-DNA position 1359, G replaced by A.
Molecular consequence: splice donor variant.
Genome position (GRCh38, 1-based): chr4:15,527,657, G>A. VCF-style: chr4-15527657-G-A. GRCh37 (hg19) VCF-style: chr4-15529280-G-A.
Other names: c.1359+1G>A (NM_001080522.2); c.1212+1G>A (NM_001378617.1).
Identifiers: ClinVar variation 3590277 (VCV003590277.2).
Genomic context (GRCh38, chr4:15,527,657, plus strand): 5'-TTATATGACCAGTACCTTGCAAGACACCAGAGAAACAAGGCGAAATTTCTTACTGATAAG[G>A]TACATGTGATTTCTTCCATAATGATTGTCAATGGAGTTGGTTCTTCCAATGAGCCCAAAC-3'

ClinVar aggregate classification (germline): Pathogenic/Likely pathogenic. Review status: criteria provided, multiple submitters, no conflicts (2 of 4 stars). 2 submissions from 2 submitters: Pathogenic (1); Likely pathogenic (1). Last evaluated 2025-05-07.

Conditions:
Retinitis pigmentosa 93. Identifiers: MedGen C5676970, MONDO:0030797, OMIM 619845.
COACH syndrome 2. Identifiers: MedGen C5436837, MONDO:0030859, OMIM 619111.
Meckel syndrome, type 6. Identifiers: Orphanet 564, MedGen C2676790, MONDO:0012848, OMIM 612284.
Joubert syndrome 9 (JBTS9). Identifiers: Orphanet 2318, MedGen C2676788, MONDO:0012849, OMIM 612285.
CC2D2A-related disorder. Also called: CC2D2A-related disorders; CC2D2A-related condition. Identifiers: MedGen CN239313.

Submissions (2):

3billion
Classification: Pathogenic for CC2D2A-related disorder. Last evaluated: 2025-05-07. Review status: criteria provided, single submitter. Criteria: ACMG Guidelines, 2015. Collection method: clinical testing. Allele origin: germline. Affected: yes.
Comment: The variant is not observed in the gnomAD v4.1.0 dataset. Predicted Consequence/Location: Canonical splice site: predicted to alter splicing and result in a loss or disruption of normal protein function. Multiple pathogenic loss-of-function variants are reported downstream of the variant. The variant has been reported to be associated with CC2D2A-related disorder (ClinVar ID: VCV003590277). Therefore, this variant is classified as Pathogenic according to the recommendation of ACMG/AMP guideline.

Fulgent Genetics
Classification: Likely pathogenic for Meckel syndrome, type 6; Joubert syndrome 9; COACH syndrome 2; Retinitis pigmentosa 93. Last evaluated: 2024-04-03. Review status: criteria provided, single submitter. Criteria: ACMG Guidelines, 2015. Collection method: clinical testing. Allele origin: germline.